The following is an entry in ClinVar:

NM_000156.6(GAMT):c.314G>A (p.Arg105Gln)

Gene: GAMT (guanidinoacetate N-methyltransferase; minus strand). Cytogenetic location: 19p13.3.
Variant type: single nucleotide variant.
Coding change: c.314G>A on transcript NM_000156.6 (MANE Select); coding-DNA position 314, G replaced by A.
Protein change: p.Arg105Gln; replaces arginine 105 with glutamine.
Molecular consequence: missense variant.
Genome position (GRCh38, 1-based): chr19:1,399,806, C>T on the plus strand (G>A on the coding strand, the complement: GAMT is on the minus strand). VCF-style: chr19-1399806-C-T. GRCh37 (hg19) VCF-style: chr19-1399805-C-T.
Other names: NM_000156.6(GAMT):c.314G>A; p.Arg105Gln; c.314G>A, p.Arg105Gln (NM_138924.3); short protein forms R105Q.
Identifiers: ClinVar variation 390894 (VCV000390894.9), dbSNP rs148838075, ClinGen allele CA9043741.

ClinVar aggregate classification (germline): Likely benign. Review status: reviewed by expert panel (3 of 4 stars). 4 submissions from 4 submitters: Likely benign (1). 3 of the submissions do not count toward it. Last evaluated 2025-03-13.

Conditions:
Cerebral creatine deficiency syndrome. Also called: Creatine deficiency syndromes. Identifiers: Orphanet 79172, MedGen C5244016, MONDO:0000456.
Deficiency of guanidinoacetate methyltransferase (CCDS2). Also called: GAMT DEFICIENCY; Guanidinoacetate Methyltransferase (GAMT) Deficiency; CEREBRAL CREATINE DEFICIENCY SYNDROME 2. Identifiers: Orphanet 382, MedGen C0574080, MONDO:0012999, OMIM 612736.

Allele frequency attached by ClinVar (database versions not stated): gnomAD exomes 0.00004; ESP Exome Variant Server 0.00016; TOPMed 0.00007; ExAC 0.00008; gnomAD 0.00007.

Submissions (4):

ClinGen Cerebral Creatine Deficiency Syndromes Variant Curation Expert Panel, ClinGen
Classification: Likely benign for Deficiency of guanidinoacetate methyltransferase. Last evaluated: 2025-03-13. Review status: reviewed by expert panel. Criteria: ClinGen CCDS ACMG Specifications GAMT V2.0.0. Collection method: curation. Allele origin: germline. Inheritance: Autosomal recessive inheritance.
Comment: The NM_000156.6:c.314G>A variant in GAMT is a missense variant predicted to cause the substitution of an arginine by a glutamine at amino acid position 105 (p.Arg105Gln). This variant has been previously reported in two individuals in the Exome Variant Server database, both of whom were heterozygous for the variant (PMID: 26003046) but, to our knowledge, it has not been reported among individuals with GAMT deficiency. The highest population minor allele frequency in gnomAD v4.1.0. is 0.0002374 (275/1158566 alleles; 1 homozygote) in the European (non-Finnish) population, which is lower than the ClinGen CCDS VCEP’s threshold for PM2_Supporting (<0.0004), but due to the presence of a homozygote, the criterion was not applied. BS2 was not applied here to avoid double counting this evidence. Expression of the variant in HeLa cells resulted in GAMT enzyme activity similar to wild type GAMT (BS3_Supporting). The computational predictor REVEL gives a score of 0.14 which is below the threshold of 0.29, evidence that does not predict a damaging effect on GAMT function (BP4). There is a ClinVar entry for this variant (Variation ID: 390894). In summary, this variant meets the criteria to be classified as likely benign for GAMT deficiency based on the ACMG/AMP criteria applied, as specified by the ClinGen Cerebral Creatine Deficiency Syndromes Variant Curation Expert Panel (Specifications Version 2.0.0): BS3_Supporting, BP4. ((Classification approved by the ClinGen Cerebral Creatine Deficiency Syndromes Variant Curation Expert Panel on March 13, 2025)

Labcorp Genetics (formerly Invitae), Labcorp
Classification: Uncertain significance for Cerebral creatine deficiency syndrome. Last evaluated: 2022-07-19. Review status: criteria provided, single submitter. Criteria: Invitae Variant Classification Sherloc (09022015). Collection method: clinical testing. Allele origin: germline. Not counted in ClinVar's aggregate classification.
Comment: This sequence change replaces arginine, which is basic and polar, with glutamine, which is neutral and polar, at codon 105 of the GAMT protein (p.Arg105Gln). The frequency data for this variant in the population databases is considered unreliable, as metrics indicate poor data quality at this position in the gnomAD database. This variant has not been reported in the literature in individuals affected with GAMT-related conditions. ClinVar contains an entry for this variant (Variation ID: 390894). Algorithms developed to predict the effect of missense changes on protein structure and function output the following: SIFT: "Tolerated"; PolyPhen-2: "Benign"; Align-GVGD: "Class C0". The glutamine amino acid residue is found in multiple mammalian species, which suggests that this missense change does not adversely affect protein function. Algorithms developed to predict the effect of sequence changes on RNA splicing suggest that this variant may create or strengthen a splice site. In summary, the available evidence is currently insufficient to determine the role of this variant in disease. Therefore, it has been classified as a Variant of Uncertain Significance.

GeneDx
Classification: Likely benign. Last evaluated: 2019-01-09. Review status: criteria provided, single submitter. Criteria: GeneDx Variant Classification Process June 2021. Collection method: clinical testing. Allele origin: germline. Affected: yes. Not counted in ClinVar's aggregate classification.
Comment: This variant is associated with the following publications: (PMID: 26003046)

Natera, Inc.
Classification: Uncertain significance for Guanidinoacetate methyltransferase deficiency. Last evaluated: 2020-01-17. Review status: no assertion criteria provided. Collection method: clinical testing. Allele origin: germline. Not counted in ClinVar's aggregate classification.